The following is an entry in ClinVar:

ClinVar aggregate classification (germline): Likely pathogenic (1 of 4 stars; one submission).

Conditions:
Karyomegalic interstitial nephritis. Identifiers: Orphanet 401996, MedGen C3553774, MONDO:0013898, OMIM 614817.

Submission:

Juno Genomics, Hangzhou Juno Genomics, Inc
Classification: Likely pathogenic for Karyomegalic interstitial nephritis. Review status: criteria provided, single submitter. Criteria: ACMG Guidelines, 2015. Collection method: clinical testing. Allele origin: germline.
Comment: Absent from controls (or at extremely low frequency if recessive) in Genome Aggregation Database.;Null variant in a gene where loss of function (LOF) is a known mechanism of disease.

NM_014967.5(FAN1):c.2799_2800del (p.Cys934fs)

Genes: FAN1 (FANCD2 and FANCI associated nuclease 1; plus strand), MTMR10 (myotubularin related protein 10; minus strand). Cytogenetic location: 15q13.3.
Variant type: Deletion.
Coding change: c.2799_2800del on transcript NM_014967.5 (MANE Select); coding-DNA positions 2799 to 2800, 2 bases deleted (CT; older notation c.2799_2800delCT).
Protein change: p.Cys934fs; shifts the reading frame from cysteine 934.
Molecular consequence: frameshift variant.
Genome position (GRCh38, 1-based): chr15:30,930,554-30,930,555, CT deleted. VCF-style (leftmost placement, unchanged base first): chr15-30930553-CCT-C. GRCh37 (hg19) VCF-style: chr15-31222756-CCT-C.
Other names: short protein forms C934fs.
Identifiers: ClinVar variation 5018947 (VCV005018947.2).